The following is an entry in ClinVar:

NM_000094.4(COL7A1):c.3181G>A (p.Ala1061Thr)

Gene: COL7A1 (collagen type VII alpha 1 chain; minus strand). Cytogenetic location: 3p21.31.
Variant type: single nucleotide variant.
Coding change: c.3181G>A on transcript NM_000094.4 (MANE Select); coding-DNA position 3181, G replaced by A.
Protein change: p.Ala1061Thr; replaces alanine 1061 with threonine.
Molecular consequence: missense variant.
Genome position (GRCh38, 1-based): chr3:48,587,067, C>T on the plus strand (G>A on the coding strand, the complement: COL7A1 is on the minus strand). VCF-style: chr3-48587067-C-T. GRCh37 (hg19) VCF-style: chr3-48624500-C-T.
Other names: c.3181G>A (NM_000094.3); short protein forms A1061T.
Identifiers: ClinVar variation 1413454 (VCV001413454.8), dbSNP rs778942747, ClinGen allele CA73984789.

ClinVar aggregate classification (germline): Conflicting classifications of pathogenicity. Review status: criteria provided, conflicting classifications (1 of 4 stars). 3 submissions from 3 submitters: Uncertain significance (2); Likely benign (1). Last evaluated 2026-07-14.

Conditions:
Inborn genetic diseases. Identifiers: MedGen C0950123, MeSH D030342.
COL7A1-related disorder. Also called: COL7A1-related condition; COL7A1- related disorders.

Allele frequency attached by ClinVar (database versions not stated): gnomAD exomes 0.00001; gnomAD 0.00001; TOPMed 0.00001.
gnomAD v4.1: 20 of 1,610,992 alleles (0.0012%); highest among the groups gnomAD compares: Non-Finnish European, 0.0017%; no homozygotes.

Submissions (3):

Ambry Genetics
Classification: Likely benign for Inborn genetic diseases. Last evaluated: 2026-07-14. Review status: criteria provided, single submitter. Criteria: Ambry Variant Classification Scheme 2023. Collection method: clinical testing. Allele origin: germline.

Labcorp Genetics (formerly Invitae), Labcorp
Classification: Uncertain significance. Last evaluated: 2024-11-04. Review status: criteria provided, single submitter. Criteria: Invitae Variant Classification Sherloc (09022015). Collection method: clinical testing. Allele origin: germline.
Comment: This sequence change replaces alanine, which is neutral and non-polar, with threonine, which is neutral and polar, at codon 1061 of the COL7A1 protein (p.Ala1061Thr). This variant is not present in population databases (gnomAD no frequency). This variant has not been reported in the literature in individuals affected with COL7A1-related conditions. ClinVar contains an entry for this variant (Variation ID: 1413454). Invitae Evidence Modeling of protein sequence and biophysical properties (such as structural, functional, and spatial information, amino acid conservation, physicochemical variation, residue mobility, and thermodynamic stability) indicates that this missense variant is not expected to disrupt COL7A1 protein function with a negative predictive value of 95%. In summary, the available evidence is currently insufficient to determine the role of this variant in disease. Therefore, it has been classified as a Variant of Uncertain Significance.

PreventionGenetics, part of Exact Sciences
Classification: Uncertain significance for COL7A1-related condition. Last evaluated: 2022-10-08. Review status: criteria provided, single submitter. Criteria: ACMG Guidelines, 2015. Collection method: clinical testing. Allele origin: germline.
Comment: The COL7A1 c.3181G>A variant is predicted to result in the amino acid substitution p.Ala1061Thr. To our knowledge, this variant has not been reported in the literature or in a large population database, indicating this variant is rare. At this time, the clinical significance of this variant is uncertain due to the absence of conclusive functional and genetic evidence.